The following is an entry in ClinVar:

ClinVar aggregate classification (germline): Conflicting classifications of pathogenicity. Review status: criteria provided, conflicting classifications (1 of 4 stars). 4 submissions from 4 submitters: Uncertain significance (1); Benign (1); Likely benign (1). 1 of the submissions does not count toward it. Last evaluated 2025-09-09.

Conditions:
ALG8-related disorder.
ALG8 congenital disorder of glycosylation. Also called: ALG8-CDG; CONGENITAL DISORDER OF GLYCOSYLATION, TYPE Ih; CDG Ih. Identifiers: Orphanet 79325, MedGen C2931002, MONDO:0011969, OMIM 608104.

Allele frequency attached by ClinVar (database versions not stated): ESP Exome Variant Server 0.00092; TOPMed 0.00108; 1000 Genomes Project 0.00160; 1000 Genomes Project 30x 0.00219.
gnomAD v4.1: 382 of 1,597,696 alleles (0.024%); highest among the groups gnomAD compares: African/African-American, 0.31%; 1 homozygote.

Submissions (6):

Labcorp Genetics (formerly Invitae), Labcorp
Classification: Benign for ALG8 congenital disorder of glycosylation. Last evaluated: 2025-09-09. Review status: criteria provided, single submitter. Criteria: Invitae Variant Classification Sherloc (09022015). Collection method: clinical testing. Allele origin: germline.

Mayo Clinic Laboratories, Mayo Clinic
Classification: Uncertain significance. Last evaluated: 2022-12-02. Review status: criteria provided, single submitter. Criteria: ACMG Guidelines, 2015. Collection method: clinical testing. Allele origin: germline. Observed: 2 variant alleles.

Genomic Diagnostic Laboratory, Division of Genomic Diagnostics, Children's Hospital of Philadelphia
Classification: Likely benign. Last evaluated: 2015-09-03. Review status: criteria provided, single submitter. Criteria: DGD Variant Analysis Guidelines. Collection method: clinical testing. Allele origin: unknown.

PreventionGenetics, part of Exact Sciences
Classification: Likely benign for ALG8-related condition. Last evaluated: 2023-02-07. Review status: no assertion criteria provided. Collection method: clinical testing. Allele origin: germline. Not counted in ClinVar's aggregate classification.
Comment: This variant is classified as likely benign based on ACMG/AMP sequence variant interpretation guidelines (Richards et al. 2015 PMID: 25741868, with internal and published modifications).

Dr. Peter K. Rogan Lab, Western University
No classification provided (evidence only). Condition: Lung cancer. Review status: no classification provided. Collection method: in vitro. Allele origin: not applicable. Functional consequence: retained intron. Not counted in ClinVar's aggregate classification.

Dr. Peter K. Rogan Lab, Western University
No classification provided (evidence only). Condition: Mesothelioma. Review status: no classification provided. Collection method: in vitro. Allele origin: not applicable. Functional consequence: retained intron. Not counted in ClinVar's aggregate classification.

NM_024079.5(ALG8):c.369-6A>G

Gene: ALG8 (ALG8 alpha-1,3-glucosyltransferase; minus strand). Cytogenetic location: 11q14.1.
Variant type: single nucleotide variant.
Coding change: c.369-6A>G on transcript NM_024079.5 (MANE Select); 6 bases into the intron before coding-DNA position 369, A replaced by G.
Molecular consequence: intron variant.
Genome position (GRCh38, 1-based): chr11:78,121,180, T>C on the plus strand (A>G on the coding strand, the complement: ALG8 is on the minus strand). VCF-style: chr11-78121180-T-C. GRCh37 (hg19) VCF-style: chr11-77832226-T-C.
Other names: p.?; c.369-6A>G (NM_001007027.3).
Identifiers: ClinVar variation 252504 (VCV000252504.16), dbSNP rs201483866, ClinGen allele CA6203497.